The following is an entry in ClinVar:

ClinVar aggregate classification (germline): Uncertain significance (1 of 4 stars; one submission).

gnomAD v4.1: 2 of 1,613,788 alleles (0.00012%); highest among the groups gnomAD compares: South Asian, 0.0011%; no homozygotes.

Submission:

Labcorp Genetics (formerly Invitae), Labcorp
Classification: Uncertain significance. Last evaluated: 2024-05-15. Review status: criteria provided, single submitter. Criteria: Invitae Variant Classification Sherloc (09022015). Collection method: clinical testing. Allele origin: germline.
Comment: This sequence change replaces valine, which is neutral and non-polar, with isoleucine, which is neutral and non-polar, at codon 51 of the SAG protein (p.Val51Ile). This variant is not present in population databases (gnomAD no frequency). This variant has not been reported in the literature in individuals affected with SAG-related conditions. Advanced modeling of protein sequence and biophysical properties (such as structural, functional, and spatial information, amino acid conservation, physicochemical variation, residue mobility, and thermodynamic stability) performed at Invitae indicates that this missense variant is not expected to disrupt SAG protein function with a negative predictive value of 80%. In summary, the available evidence is currently insufficient to determine the role of this variant in disease. Therefore, it has been classified as a Variant of Uncertain Significance.

NM_000541.5(SAG):c.151G>A (p.Val51Ile)

Gene: SAG (S-antigen visual arrestin; plus strand). Cytogenetic location: 2q37.1.
Variant type: single nucleotide variant.
Coding change: c.151G>A on transcript NM_000541.5 (MANE Select); coding-DNA position 151, G replaced by A.
Protein change: p.Val51Ile; replaces valine 51 with isoleucine.
Molecular consequence: missense variant.
Genome position (GRCh38, 1-based): chr2:233,318,765, G>A. VCF-style: chr2-233318765-G-A. GRCh37 (hg19) VCF-style: chr2-234227411-G-A.
Other names: short protein forms V51I.
Identifiers: ClinVar variation 3679682 (VCV003679682.2).
Genomic context (GRCh38, chr2:233,318,765, plus strand): 5'-CTTTCATCTTCTCCACCCTCACTGCTCTCTCCCTCTTTTGCCTTAGATGGTGTCGTGTTG[G>A]TTGATCCTGATCTTGTGAAGGGAAAGAAAGGTGAGATGAAGCCCCTTGTCTCAGGCTGGT-3'
Protein context (NP_000532.2, residues 41-61): QVQPVDGVVL[Val51Ile]DPDLVKGKKV